The following is an entry in ClinVar:

NM_000152.5(GAA):c.2714C>G (p.Thr905Ser)

Gene: GAA (alpha glucosidase; plus strand). Cytogenetic location: 17q25.3.
Variant type: single nucleotide variant.
Coding change: c.2714C>G on transcript NM_000152.5 (MANE Select); coding-DNA position 2714, C replaced by G.
Protein change: p.Thr905Ser; replaces threonine 905 with serine.
Molecular consequence: missense variant.
Genome position (GRCh38, 1-based): chr17:80,118,720, C>G. VCF-style: chr17-80118720-C-G. GRCh37 (hg19) VCF-style: chr17-78092519-C-G.
Other names: c.2714C>G, p.Thr905Ser (NM_001079803.3, NM_001079804.3, NM_001406741.1 and 1 more transcripts); short protein forms T905S.
Identifiers: ClinVar variation 2124556 (VCV002124556.8), dbSNP rs2510404462, ClinGen allele CA401326976.
Genomic context (GRCh38, chr17:80,118,720, plus strand): 5'-TCGTGAATGAGCTGGTACGTGTGACCAGTGAGGGAGCTGGCCTGCAGCTGCAGAAGGTGA[C>G]TGTCCTGGGCGTGGCCACGGCGCCCCAGCAGGTCCTCTCCAACGGTGTCCCTGTCTCCAA-3'
Protein context (NP_000143.2, residues 895-915): EGAGLQLQKV[Thr905Ser]VLGVATAPQQ

ClinVar aggregate classification (germline): Uncertain significance. Review status: criteria provided, multiple submitters, no conflicts (2 of 4 stars). 3 submissions from 3 submitters: Uncertain significance (3). Last evaluated 2026-04-03.

Conditions:
Glycogen storage disease, type II (IOPD). Also called: GLYCOGENOSIS, GENERALIZED, CARDIAC FORM; GSD II; Glycogen storage disease type 2; CARDIOMEGALIA GLYCOGENICA DIFFUSA; Acid maltase deficiency disease; Aglucosidase alfa. Identifiers: Orphanet 365, MedGen C0017921, MONDO:0009290, OMIM 232300.

Submissions (3):

GeneDx
Classification: Uncertain significance. Last evaluated: 2026-04-03. Review status: criteria provided, single submitter. Criteria: GeneDx Variant Classification Process June 2021. Collection method: clinical testing. Allele origin: germline.
Comment: Not observed at significant frequency in large population cohorts (gnomAD); In silico analysis supports a deleterious effect on splicing; In silico analysis suggests that this missense variant does not alter protein structure/function; Has not been previously published as pathogenic or benign to our knowledge; This variant is associated with the following publications: (PMID: 19343043, 22253258)

Revvity Omics, Revvity
Classification: Uncertain significance. Last evaluated: 2022-09-06. Review status: criteria provided, single submitter. Criteria: ACMG Guidelines, 2015. Collection method: clinical testing. Allele origin: germline.

Labcorp Genetics (formerly Invitae), Labcorp
Classification: Uncertain significance for Glycogen storage disease, type II. Last evaluated: 2022-04-11. Review status: criteria provided, single submitter. Criteria: Invitae Variant Classification Sherloc (09022015). Collection method: clinical testing. Allele origin: germline.
Comment: This variant is not present in population databases (gnomAD no frequency). This sequence change replaces threonine, which is neutral and polar, with serine, which is neutral and polar, at codon 905 of the GAA protein (p.Thr905Ser). This variant has not been reported in the literature in individuals affected with GAA-related conditions. Advanced modeling of protein sequence and biophysical properties (such as structural, functional, and spatial information, amino acid conservation, physicochemical variation, residue mobility, and thermodynamic stability) performed at Invitae indicates that this missense variant is not expected to disrupt GAA protein function. Algorithms developed to predict the effect of sequence changes on RNA splicing suggest that this variant may disrupt the consensus splice site. In summary, the available evidence is currently insufficient to determine the role of this variant in disease. Therefore, it has been classified as a Variant of Uncertain Significance.